The following is an entry in ClinVar:

NM_000138.5(FBN1):c.2786_2789dup (p.Arg930delinsSerTer)

Gene: FBN1 (fibrillin 1; minus strand). Cytogenetic location: 15q21.1.
Variant type: Duplication.
Coding change: c.2786_2789dup on transcript NM_000138.5 (MANE Select); coding-DNA positions 2786 to 2789, 4 bases duplicated (CTAG; older notation c.2786_2789dupCTAG).
Protein change: p.Arg930delinsSerTer.
Molecular consequence: nonsense.
Genome position (GRCh38, 1-based): chr15:48,492,526-48,492,529, CTAG duplicated on the plus strand (CTAG on the coding strand, the reverse complement: FBN1 is on the minus strand). VCF-style (leftmost placement, unchanged base first): chr15-48492525-C-CCTAG. GRCh37 (hg19) VCF-style: chr15-48784722-C-CCTAG.
Other names: c.2786_2789dupCTAG (NM_000138.4).
Identifiers: ClinVar variation 200157 (VCV000200157.1), dbSNP rs794728305, ClinGen allele CA304346.

ClinVar aggregate classification (germline): Pathogenic (1 of 4 stars; one submission).

Conditions:
Familial thoracic aortic aneurysm and aortic dissection (TAAD). Also called: Thoracic aortic aneurysms and dissections. Identifiers: Orphanet 91387, MedGen C4707243, MONDO:0019625.

Submission:

GeneDx
Classification: Pathogenic for Thoracic aortic aneurysms and aortic dissections. Last evaluated: 2013-03-20. Review status: criteria provided, single submitter. Criteria: GeneDx Variant Classification (06012015). Collection method: clinical testing. Allele origin: germline. Affected: yes.
Comment: c.2786_2789dupCTAG: p.Arg930SerfsX2 (R930SfsX2) in exon 24 of the FBN1 gene. The normal sequence with the bases that are inserted in braces is: CTAG{CTAG}GGGG (NM_000138.4). Although the c.2786_2789dupCTAG mutation in the FBN1 gene has not been reported to our knowledge, this mutation causes a shift in reading frame starting at codon Arginine 930, changing it to a Serine, and creating a premature stop codon at position 2 of the new reading frame, denoted p.Arg930SerfsX2. This mutation is expected to result in either an abnormal, truncated protein product or loss of protein from this allele through nonsense-mediated mRNA decay. Other frameshift mutations in the FBN1 gene have been reported in association with Marfan syndrome. In summary, c.2786_2789dupCTAG in the FBN1 gene is interpreted as a disease-causing mutation. The variant is found in TAAD panel(s).